The following is an entry in ClinVar:

NM_001035.3(RYR2):c.8734C>T (p.Leu2912=)

Gene: RYR2 (ryanodine receptor 2; plus strand). Cytogenetic location: 1q43.
Variant type: single nucleotide variant.
Coding change: c.8734C>T on transcript NM_001035.3 (MANE Select); coding-DNA position 8734, C replaced by T.
Protein change: p.Leu2912=; no amino-acid change (leucine 2912 retained).
Molecular consequence: synonymous variant.
Genome position (GRCh38, 1-based): chr1:237,674,750, C>T. VCF-style: chr1-237674750-C-T. GRCh37 (hg19) VCF-style: chr1-237838050-C-T.
Other names: c.8734C>T, p.Leu2912= (LRG_402t1).
Identifiers: ClinVar variation 381331 (VCV000381331.14), dbSNP rs772605413, ClinGen allele CA087717.

ClinVar aggregate classification (germline): Likely benign. Review status: criteria provided, multiple submitters, no conflicts (2 of 4 stars). 3 submissions from 3 submitters: Likely benign (3). Last evaluated 2024-08-30.

Conditions:
Cardiovascular phenotype. Identifiers: MedGen CN230736.
Catecholaminergic polymorphic ventricular tachycardia 1. Also called: RYR2-Related Catecholaminergic Polymorphic Ventricular Tachycardia; VENTRICULAR TACHYCARDIA, STRESS-INDUCED POLYMORPHIC 1; VENTRICULAR TACHYCARDIA, CATECHOLAMINERGIC POLYMORPHIC, 1, WITH OR WITHOUT ATRIAL DYSFUNCTION AND/OR DILATED CARDIOMYOPATHY. Identifiers: Orphanet 3286, MedGen C1631597, MONDO:0011484, OMIM 604772.

Allele frequency attached by ClinVar (database versions not stated): ExAC 0.00001; gnomAD 0.00001; gnomAD exomes 0.00001; TOPMed 0.00001.

Submissions (3):

Ambry Genetics
Classification: Likely benign for Cardiovascular phenotype. Last evaluated: 2024-08-30. Review status: criteria provided, single submitter. Criteria: Ambry Variant Classification Scheme 2023. Collection method: clinical testing. Allele origin: germline.

Labcorp Genetics (formerly Invitae), Labcorp
Classification: Likely benign for Catecholaminergic polymorphic ventricular tachycardia 1. Last evaluated: 2023-12-18. Review status: criteria provided, single submitter. Criteria: Invitae Variant Classification Sherloc (09022015). Collection method: clinical testing. Allele origin: germline.

GeneDx
Classification: Likely benign. Last evaluated: 2015-11-05. Review status: criteria provided, single submitter. Criteria: GeneDx Variant Classification (06012015). Collection method: clinical testing. Allele origin: germline. Affected: yes.
Comment: This variant is considered likely benign or benign based on one or more of the following criteria: it is a conservative change, it occurs at a poorly conserved position in the protein, it is predicted to be benign by multiple in silico algorithms, and/or has population frequency not consistent with disease.